The following is an entry in ClinVar:

ClinVar aggregate classification (germline): Uncertain significance. Review status: criteria provided, multiple submitters, no conflicts (2 of 4 stars). 2 submissions from 2 submitters: Uncertain significance (2). Last evaluated 2025-05-19.

Conditions:
Haddad syndrome (OHD). Also called: Ondine-Hirschsprung disease. Identifiers: Orphanet 99803, MedGen C1859049, MONDO:0020493.
Hereditary cancer-predisposing syndrome. Also called: Hereditary Cancer Syndrome; Tumor predisposition; Hereditary neoplastic syndrome; Neoplastic Syndromes, Hereditary. Identifiers: Orphanet 140162, MedGen C0027672, MeSH D009386, MONDO:0015356.

Submissions (2):

Ambry Genetics
Classification: Uncertain significance for Hereditary cancer-predisposing syndrome. Last evaluated: 2025-05-19. Review status: criteria provided, single submitter. Criteria: Ambry Variant Classification Scheme 2023. Collection method: clinical testing. Allele origin: germline.
Comment: The p.G278V variant (also known as c.833G>T), located in coding exon 3 of the PHOX2B gene, results from a G to T substitution at nucleotide position 833. The glycine at codon 278 is replaced by valine, an amino acid with dissimilar properties. This amino acid position is highly conserved in available vertebrate species. In addition, the in silico prediction for this alteration is inconclusive. Since supporting evidence is limited at this time, the clinical significance of this alteration remains unclear.

Labcorp Genetics (formerly Invitae), Labcorp
Classification: Uncertain significance for Haddad syndrome. Last evaluated: 2023-04-24. Review status: criteria provided, single submitter. Criteria: Invitae Variant Classification Sherloc (09022015). Collection method: clinical testing. Allele origin: germline.
Comment: ClinVar contains an entry for this variant (Variation ID: 644742). In summary, the available evidence is currently insufficient to determine the role of this variant in disease. Therefore, it has been classified as a Variant of Uncertain Significance. Experimental studies and prediction algorithms are not available or were not evaluated, and the functional significance of this variant is currently unknown. This variant has not been reported in the literature in individuals affected with PHOX2B-related conditions. This variant is not present in population databases (gnomAD no frequency). This sequence change replaces glycine, which is neutral and non-polar, with valine, which is neutral and non-polar, at codon 278 of the PHOX2B protein (p.Gly278Val).

NM_003924.4(PHOX2B):c.833G>T (p.Gly278Val)

Gene: PHOX2B (paired like homeobox 2B; minus strand). Cytogenetic location: 4p13.
Variant type: single nucleotide variant.
Coding change: c.833G>T on transcript NM_003924.4 (MANE Select); coding-DNA position 833, G replaced by T.
Protein change: p.Gly278Val; replaces glycine 278 with valine.
Molecular consequence: missense variant.
Genome position (GRCh38, 1-based): chr4:41,745,919, C>A on the plus strand (G>T on the coding strand, the complement: PHOX2B is on the minus strand). VCF-style: chr4-41745919-C-A. GRCh37 (hg19) VCF-style: chr4-41747936-C-A.
Other names: short protein forms G278V.
Identifiers: ClinVar variation 644742 (VCV000644742.14), dbSNP rs1577558795, ClinGen allele CA356737048.
Genomic context (GRCh38, chr4:41,745,919, plus strand): 5'-AGCGAAGATAGGACGCTGGCGAAGGGACCCCCAAGCGAATCCGGGATGGAGGTGATGGGG[C>A]CGGGGCCGGGAGCCCAGCCTTGTCCAGGGCCCCCAGCCGCAGCCAGGCCTCCAGCTGCCG-3'
Protein context (NP_003915.2, residues 268-288): GPGQGWAPGP[Gly278Val]PITSIPDSLG